The following is an entry in ClinVar:

ClinVar aggregate classification (germline): Benign/Likely benign. Review status: criteria provided, multiple submitters, no conflicts (2 of 4 stars). 4 submissions from 4 submitters: Benign (1); Likely benign (2). 1 of the submissions does not count toward it. Last evaluated 2025-09-02.

Conditions:
MERTK-related disorder. Also called: MERTK-related condition.
Inborn genetic diseases. Identifiers: MedGen C0950123, MeSH D030342.

Allele frequency attached by ClinVar (database versions not stated): gnomAD exomes 0.00011 and 0.00017; ExAC 0.00012; gnomAD 0.00019 and 0.00021; ESP Exome Variant Server 0.00023; TOPMed 0.00023; 1000 Genomes Project 0.00040; 1000 Genomes Project 30x 0.00047.

Submissions (4):

Labcorp Genetics (formerly Invitae), Labcorp
Classification: Benign. Last evaluated: 2025-09-02. Review status: criteria provided, single submitter. Criteria: Invitae Variant Classification Sherloc (09022015). Collection method: clinical testing. Allele origin: germline.

Blueprint Genetics
Classification: Likely benign. Last evaluated: 2024-09-02. Review status: criteria provided, single submitter. Criteria: ACMG Guidelines, 2015. Collection method: clinical testing. Allele origin: germline.

Ambry Genetics
Classification: Likely benign for Inborn genetic diseases. Last evaluated: 2021-09-14. Review status: criteria provided, single submitter. Criteria: Ambry Variant Classification Scheme 2023. Collection method: clinical testing. Allele origin: germline.

PreventionGenetics, part of Exact Sciences
Classification: Uncertain significance for MERTK-related condition. Last evaluated: 2024-09-03. Review status: no assertion criteria provided. Collection method: clinical testing. Allele origin: germline. Not counted in ClinVar's aggregate classification.
Comment: The MERTK c.1390G>A variant is predicted to result in the amino acid substitution p.Val464Ile. To our knowledge, this variant has not been reported in the literature. This variant is reported in 0.048% of alleles in individuals of African descent in gnomAD. At this time, the clinical significance of this variant is uncertain due to the absence of conclusive functional and genetic evidence.

NM_006343.3(MERTK):c.1390G>A (p.Val464Ile)

Gene: MERTK (MER proto-oncogene, tyrosine kinase; plus strand). Cytogenetic location: 2q13.
Variant type: single nucleotide variant.
Coding change: c.1390G>A on transcript NM_006343.3 (MANE Select); coding-DNA position 1390, G replaced by A.
Protein change: p.Val464Ile; replaces valine 464 with isoleucine.
Molecular consequence: missense variant.
Genome position (GRCh38, 1-based): chr2:111,994,344, G>A. VCF-style: chr2-111994344-G-A. GRCh37 (hg19) VCF-style: chr2-112751921-G-A.
Other names: short protein forms V464I.
Identifiers: ClinVar variation 972463 (VCV000972463.11), dbSNP rs148833587, ClinGen allele CA1831371.